The following is an entry in ClinVar:

NM_001009944.3(PKD1):c.2618_2621del (p.Val873fs)

Gene: PKD1 (polycystin 1, transient receptor potential channel interacting; minus strand). Cytogenetic location: 16p13.3.
Variant type: Deletion.
Coding change: c.2618_2621del on transcript NM_001009944.3 (MANE Select); coding-DNA positions 2618 to 2621, 4 bases deleted (TCTG; older notation c.2618_2621delTCTG).
Protein change: p.Val873fs; shifts the reading frame from valine 873.
Molecular consequence: frameshift variant.
Genome position (GRCh38, 1-based): chr16:2,114,402-2,114,405, CAGA deleted on the plus strand (TCTG on the coding strand, the reverse complement: PKD1 is on the minus strand); deleting any 4 consecutive bases within chr16:2,114,402-2,114,407 gives the same sequence; the c. name uses the placement nearest the transcript's 3' end. VCF-style (leftmost placement, unchanged base first): chr16-2114401-GCAGA-G. GRCh37 (hg19) VCF-style: chr16-2164402-GCAGA-G.
Other names: c.2618_2621del, p.Val873fs (NM_000296.4); short protein forms V873fs.
Identifiers: ClinVar variation 636861 (VCV000636861.6), dbSNP rs1596575646, ClinGen allele CA915949015.

ClinVar aggregate classification (germline): Pathogenic/Likely pathogenic. Review status: criteria provided, multiple submitters, no conflicts (2 of 4 stars). 4 submissions from 4 submitters: Pathogenic (3); Likely pathogenic (1). Last evaluated 2024-03-01.

Conditions:
PKD1-related disorder. Also called: PKD1-related condition.
Polycystic kidney disease, adult type (PKD1). Also called: POLYCYSTIC KIDNEY DISEASE, ADULT, TYPE I; Polycystic Kidney, Autosomal Dominant; Polycystic Kidney Disease 1, Autosomal Dominant; Polycystic kidney disease 1; Polycystic kidney disease 1, severe; POLYCYSTIC KIDNEY DISEASE 1 WITH OR WITHOUT POLYCYSTIC LIVER DISEASE. Identifiers: MedGen C3149841, MONDO:0008263, OMIM 173900.

Submissions (4):

Fulgent Genetics
Classification: Pathogenic for Polycystic kidney disease, adult type. Last evaluated: 2024-03-01. Review status: criteria provided, single submitter. Criteria: ACMG Guidelines, 2015. Collection method: clinical testing. Allele origin: germline.

Department of Pathology and Laboratory Medicine, Sinai Health System
Classification: Pathogenic for Polycystic kidney disease, adult type. Last evaluated: 2022-01-14. Review status: criteria provided, single submitter. Criteria: ACMG Guidelines, 2015. Collection method: clinical testing. Allele origin: germline. Affected: yes.

Blueprint Genetics
Classification: Likely pathogenic for PKD1-related disorders. Last evaluated: 2018-11-20. Review status: criteria provided, single submitter. Criteria: ACMG Guidelines, 2015. Collection method: clinical testing. Allele origin: germline. Affected: yes. Observed: 1 variant allele.

Juno Genomics, Hangzhou Juno Genomics, Inc
Classification: Pathogenic for Polycystic kidney disease, adult type. Review status: criteria provided, single submitter. Criteria: ACMG Guidelines, 2015. Collection method: clinical testing. Allele origin: germline. Affected: yes.
Comment: Null variant in a gene where loss of function (LOF) is a known mechanism of disease.;Absent from controls (or at extremely low frequency if recessive) in Genome Aggregation Database, Exome Sequencing Project, 1000 Genomes Project, or Exome Aggregation Consortium.;The prevalence of the variant in affected individuals is significantly increased compared to the prevalence in controls.;Patient's phenotype or family history is highly specific for a disease with a single genetic etiology.